The following is an entry in ClinVar:

NM_002529.4(NTRK1):c.851-33T>A

Gene: NTRK1 (neurotrophic receptor tyrosine kinase 1; plus strand). Cytogenetic location: 1q23.1.
Variant type: single nucleotide variant.
Coding change: c.851-33T>A on transcript NM_002529.4 (MANE Select); 33 bases into the intron before coding-DNA position 851, T replaced by A.
Molecular consequence: intron variant.
Genome position (GRCh38, 1-based): chr1:156,873,600, T>A. VCF-style: chr1-156873600-T-A. GRCh37 (hg19) VCF-style: chr1-156843392-T-A.
Other names: IVS7AS, T-A, -33; c.761-33T>A (NM_001007792.1); c.851-33T>A (NM_001012331.2).
Identifiers: ClinVar variation 21308 (VCV000021308.24), dbSNP rs80356674, ClinGen allele CA204920.

ClinVar aggregate classification (germline): Pathogenic. Review status: criteria provided, multiple submitters, no conflicts (2 of 4 stars). 10 submissions from 10 submitters: Pathogenic (8). 2 of the submissions do not count toward it. Last evaluated 2025-11-20.

Conditions:
Inborn genetic diseases. Identifiers: MedGen C0950123, MeSH D030342.
Hereditary insensitivity to pain with anhidrosis (CIPA). Also called: INSENSITIVITY TO PAIN, CONGENITAL, WITH ANHIDROSIS; FAMILIAL DYSAUTONOMIA, TYPE II; NEUROPATHY, CONGENITAL SENSORY, WITH ANHIDROSIS; hereditary sensory and autonomic neuropathy type 4; HSAN Type IV; NTRK1 Congenital Insensitivity to Pain with Anhidrosis. Identifiers: Orphanet 642, MedGen C0020074, MONDO:0009746, OMIM 256800.

Allele frequency attached by ClinVar (database versions not stated): TOPMed 0.00001; ExAC 0.00003; gnomAD exomes 0.00003 and 0.00001.
gnomAD v4.1: 18 of 1,596,080 alleles (0.0011%); highest among the groups gnomAD compares: East Asian, 0.04%; no homozygotes.

Submissions (10):

Labcorp Genetics (formerly Invitae), Labcorp
Classification: Pathogenic for Hereditary insensitivity to pain with anhidrosis. Last evaluated: 2025-11-20. Review status: criteria provided, single submitter. Criteria: Invitae Variant Classification Sherloc (09022015). Collection method: clinical testing. Allele origin: germline.
Comment: This sequence change falls in intron 7 of the NTRK1 gene. It does not directly change the encoded amino acid sequence of the NTRK1 protein. RNA analysis indicates that this variant induces altered splicing and may result in an absent or altered protein product. This variant is present in population databases (rs80356674, gnomAD 0.05%). This variant has been observed in individual(s) with congenital insensitivity to pain with anhidrosis (CIPA) (PMID: 10982191, 19618435, 23112235, 27265460, 28345382, 29619836). In at least one individual the data is consistent with being in trans (on the opposite chromosome) from a pathogenic variant. It has also been observed to segregate with disease in related individuals. This variant is also known as IVS7-33T>A and c.935-33T>A. ClinVar contains an entry for this variant (Variation ID: 21308). Studies have shown that this variant results in retention of 137 nucleotides from intron 7, and produces a non-functional protein and/or introduces a premature termination codon (PMID: 10982191). For these reasons, this variant has been classified as Pathogenic.

Natera, Inc.
Classification: Pathogenic for Hereditary insensitivity to pain with anhidrosis. Last evaluated: 2025-10-30. Review status: criteria provided, single submitter. Criteria: Natera Variant Classification Schema (03/2026). Collection method: clinical testing. Allele origin: germline.
Comment: The c.851-33T>A variant in NTRK1 is an intronic variant located outside the canonical splice sites. This variant is rare in the general population with a frequency below the threshold expected for the associated phenotype(s). This variant has been observed in one or more individuals affected with the associated recessive disease, as either homozygous or compound heterozygous with a second variant (PMID: 19618435, 27265460). Additionally, this variant has been observed to segregate in affected family members (PMID: 27265460). Given the available evidence, this variant is classified as Pathogenic.

Fulgent Genetics
Classification: Pathogenic for Hereditary insensitivity to pain with anhidrosis. Last evaluated: 2024-03-20. Review status: criteria provided, single submitter. Criteria: ACMG Guidelines, 2015. Collection method: clinical testing. Allele origin: germline.

Genome-Nilou Lab
Classification: Pathogenic for Hereditary insensitivity to pain with anhidrosis. Last evaluated: 2023-04-11. Review status: criteria provided, single submitter. Criteria: ACMG Guidelines, 2015. Collection method: clinical testing. Allele origin: germline. Affected: no.

GeneDx
Classification: Pathogenic. Last evaluated: 2022-12-14. Review status: criteria provided, single submitter. Criteria: GeneDx Variant Classification Process June 2021. Collection method: clinical testing. Allele origin: germline. Affected: yes.
Comment: Published functional studies demonstrate a damaging effect (activation of upstream cryptic splice acceptor site resulting in aberrant splicing in vitro and incorporation of an abberant fragment into the mRNA) (Miura et al., 2000); Not observed at a significant frequency in large population cohorts (gnomAD); This variant is associated with the following publications: (PMID: 23112235, 30774415, 34674383, 34938316, 25356970, 28345382, 19618435, 27265460, 29770739, 30201336, 29619836, 31857517, 32219930, 30677517, 33422294, 33748046, 32901917, 10982191)

3billion
Classification: Pathogenic for Hereditary insensitivity to pain with anhidrosis. Last evaluated: 2021-10-02. Review status: criteria provided, single submitter. Criteria: ACMG Guidelines, 2015. Collection method: clinical testing. Allele origin: paternal. Affected: yes. Observed: 1 heterozygote.
Comment: Intron variant: previously reported to alter splicing and result in a loss of normal protein fucnction through nonsense-mediated decay (NMD) or protein truncation (PMID: 10982191, PVS1_VS). It is observed at an extremely low frequency in the gnomAD v2.1.1 dataset (total allele frequency: 0.0000340, PM2). The variant was observed in trans with a pathogenic variant (NM_002529.3:c.2020G>T) as compound heterozygous (3billion dataset, PM3).The variant has been reported to co-segregate with the disease in at least 3 similarly affected relatives/individuals in the same family or similarly affected unrelated family (PMID: 27265460 and 28345382, PP1_M). Patient's phenotype is considered compatible with Insensitivity to pain, congenital, with anhidrosis (3billion dataset, PP4).Therefore, this variant is classified as pathogenic according to the recommendation of ACMG/AMP guideline.

Ambry Genetics
Classification: Pathogenic for Inborn genetic diseases. Last evaluated: 2014-01-21. Review status: criteria provided, single submitter. Criteria: Ambry Autosomal Dominant and X-Linked criteria (10/2015). Collection method: clinical testing. Allele origin: germline. Observed: 1 variant allele.

Juno Genomics, Hangzhou Juno Genomics, Inc
Classification: Pathogenic for Hereditary insensitivity to pain with anhidrosis. Review status: criteria provided, single submitter. Criteria: ACMG Guidelines, 2015. Collection method: clinical testing. Allele origin: germline.
Comment: Absent from controls (or at extremely low frequency if recessive) in Genome Aggregation Database.;For recessive disorders, detected in trans with a pathogenic variant.;Patient's phenotype or family history is highly specific for a disease with a single genetic etiology.;Null variant in a gene where loss of function (LOF) is a known mechanism of disease.

OMIM
Classification: Pathogenic for INSENSITIVITY TO PAIN, CONGENITAL, WITH ANHIDROSIS. Last evaluated: 2000-01-01. Review status: no assertion criteria provided. Collection method: literature only. Allele origin: germline. Not counted in ClinVar's aggregate classification.

GeneReviews
No classification provided. Condition: Hereditary insensitivity to pain with anhidrosis. Review status: no classification provided. Collection method: literature only. Allele origin: germline. Not counted in ClinVar's aggregate classification.
Comment: Common pathogenic variant in Japanese, Korean, and Chinese populations.

Literature cited by the submitters: PubMed 10982191 (cited by Labcorp Genetics (formerly Invitae), Labcorp and OMIM); PubMed 19618435 (cited by 3 submitters); PubMed 23112235 (cited by Labcorp Genetics (formerly Invitae), Labcorp); PubMed 27265460 (cited by 3 submitters); PubMed 28345382 (cited by Labcorp Genetics (formerly Invitae), Labcorp and 3billion); PubMed 29619836 (cited by Labcorp Genetics (formerly Invitae), Labcorp); NCBI Bookshelf NBK1769 (cited by GeneReviews); PubMed 11748840 (cited by GeneReviews); PubMed 29770739 (cited by GeneReviews); PubMed 30774415 (cited by GeneReviews).